The following is an entry in ClinVar:

ClinVar aggregate classification (germline): Uncertain significance. Review status: criteria provided, multiple submitters, no conflicts (2 of 4 stars). 2 submissions from 2 submitters: Uncertain significance (2). Last evaluated 2023-03-29.

Conditions:
Capillary malformation-arteriovenous malformation syndrome. Also called: Capillary malformation-arteriovenous malformation. Identifiers: Orphanet 137667, MedGen C1842180, MONDO:0012016.

gnomAD v4.1: 1 of 1,611,906 alleles (0.000062%); highest among the groups gnomAD compares: Non-Finnish European, 0.000085%; no homozygotes.

Submissions (2):

Labcorp Genetics (formerly Invitae), Labcorp
Classification: Uncertain significance for Capillary malformation-arteriovenous malformation syndrome. Last evaluated: 2023-03-29. Review status: criteria provided, single submitter. Criteria: Invitae Variant Classification Sherloc (09022015). Collection method: clinical testing. Allele origin: germline.
Comment: This sequence change replaces aspartic acid, which is acidic and polar, with glycine, which is neutral and non-polar, at codon 816 of the RASA1 protein (p.Asp816Gly). This variant is not present in population databases (gnomAD no frequency). This variant has not been reported in the literature in individuals affected with RASA1-related conditions. An algorithm developed to predict the effect of missense changes on protein structure and function (PolyPhen-2) suggests that this variant is likely to be disruptive. In summary, the available evidence is currently insufficient to determine the role of this variant in disease. Therefore, it has been classified as a Variant of Uncertain Significance.

Blueprint Genetics
Classification: Uncertain significance. Last evaluated: 2021-03-04. Review status: criteria provided, single submitter. Criteria: ACMG Guidelines, 2015. Collection method: clinical testing. Allele origin: germline.

NM_002890.3(RASA1):c.2447A>G (p.Asp816Gly)

Genes: CCNH (cyclin H; minus strand), RASA1 (RAS p21 protein activator 1; plus strand). Cytogenetic location: 5q14.3.
Variant type: single nucleotide variant.
Coding change: c.2447A>G on transcript NM_002890.3 (MANE Select); coding-DNA position 2447, A replaced by G.
Protein change: p.Asp816Gly; replaces aspartic acid 816 with glycine.
Molecular consequence: missense variant. On other transcripts: intron variant (1).
Genome position (GRCh38, 1-based): chr5:87,378,498, A>G. VCF-style: chr5-87378498-A-G. GRCh37 (hg19) VCF-style: chr5-86674315-A-G.
Other names: c.1916A>G, p.Asp639Gly (NM_022650.3); c.933+16546T>C (NM_001364075.2); short protein forms D816G, D639G.
Identifiers: ClinVar variation 2976992 (VCV002976992.4), dbSNP rs1355032296, ClinGen allele CA360382584.